The following is an entry in ClinVar:

ClinVar aggregate classification (germline): Uncertain significance (1 of 4 stars; one submission).

Conditions:
Supravalvar aortic stenosis (SVAS). Also called: Supravalvar aortic stenosis, Eisenberg type. Identifiers: Orphanet 3193, MedGen C0003499, MONDO:0008504, OMIM 185500, HP:0004381.

Allele frequency attached by ClinVar (database versions not stated): gnomAD exomes 0.00001.
gnomAD v4.1: 12 of 1,613,968 alleles (0.00074%); highest among the groups gnomAD compares: Non-Finnish European, 0.001%; no homozygotes.

Submission:

Labcorp Genetics (formerly Invitae), Labcorp
Classification: Uncertain significance for Supravalvar aortic stenosis. Last evaluated: 2023-04-12. Review status: criteria provided, single submitter. Criteria: Invitae Variant Classification Sherloc (09022015). Collection method: clinical testing. Allele origin: germline.
Comment: In summary, the available evidence is currently insufficient to determine the role of this variant in disease. Therefore, it has been classified as a Variant of Uncertain Significance. Advanced modeling of protein sequence and biophysical properties (such as structural, functional, and spatial information, amino acid conservation, physicochemical variation, residue mobility, and thermodynamic stability) performed at Invitae indicates that this missense variant is not expected to disrupt ELN protein function. This variant has not been reported in the literature in individuals affected with ELN-related conditions. This variant is not present in population databases (gnomAD no frequency). This sequence change replaces proline, which is neutral and non-polar, with leucine, which is neutral and non-polar, at codon 540 of the ELN protein (p.Pro540Leu).

NM_000501.4(ELN):c.1532C>T (p.Pro511Leu)

Genes: ELN (elastin; plus strand), ELN-AS1 (ELN antisense RNA 1; minus strand). Cytogenetic location: 7q11.23.
Variant type: single nucleotide variant.
Coding change: c.1532C>T on transcript NM_000501.4 (MANE Select); coding-DNA position 1532, C replaced by T.
Protein change: p.Pro511Leu; replaces proline 511 with leucine.
Molecular consequence: missense variant. On other transcripts: non-coding transcript variant (1).
Genome position (GRCh38, 1-based): chr7:74,060,003, C>T. VCF-style: chr7-74060003-C-T. GRCh37 (hg19) VCF-style: chr7-73474333-C-T.
Other names: c.1445C>T, p.Pro482Leu (NM_001081752.3); c.1490C>T, p.Pro497Leu (NM_001081753.3); c.1547C>T, p.Pro516Leu (NM_001081754.3); c.1475C>T, p.Pro492Leu (NM_001081755.3); c.1532C>T, p.Pro511Leu (NM_001278912.2); c.1289C>T, p.Pro430Leu (NM_001278913.2); c.1460C>T, p.Pro487Leu (NM_001278914.2); c.1550C>T, p.Pro517Leu (NM_001278915.2); and 4 more; short protein forms P478L, P482L, P497L, P540L, P487L, P501L, P516L, P422L.
Identifiers: ClinVar variation 2898254 (VCV002898254.3), dbSNP rs2486283361, ClinGen allele CA367885323.